The following is an entry in ClinVar:

NM_005045.4(RELN):c.5363G>T (p.Gly1788Val)

Gene: RELN (reelin; minus strand). Cytogenetic location: 7q22.1.
Variant type: single nucleotide variant.
Coding change: c.5363G>T on transcript NM_005045.4 (MANE Select); coding-DNA position 5363, G replaced by T.
Protein change: p.Gly1788Val; replaces glycine 1788 with valine.
Molecular consequence: missense variant.
Genome position (GRCh38, 1-based): chr7:103,561,698, C>A on the plus strand (G>T on the coding strand, the complement: RELN is on the minus strand). VCF-style: chr7-103561698-C-A. GRCh37 (hg19) VCF-style: chr7-103202145-C-A.
Other names: c.5363G>T, p.Gly1788Val (NM_173054.3); short protein forms G1788V.
Identifiers: ClinVar variation 3758151 (VCV003758151.2).

ClinVar aggregate classification (germline): Uncertain significance (1 of 4 stars; one submission).

Conditions:
Norman-Roberts syndrome (LIS2). Also called: Lissencephaly 2 (Norman-Roberts type). Identifiers: Orphanet 89844, MedGen C0796089, MONDO:0009760, OMIM 257320.
Familial temporal lobe epilepsy 7. Identifiers: Orphanet 101046, MedGen C4225327, MONDO:0014639, OMIM 616436.

Submission:

Labcorp Genetics (formerly Invitae), Labcorp
Classification: Uncertain significance for Familial temporal lobe epilepsy 7; Norman-Roberts syndrome. Last evaluated: 2025-01-11. Review status: criteria provided, single submitter. Criteria: Invitae Variant Classification Sherloc (09022015). Collection method: clinical testing. Allele origin: germline.
Comment: This sequence change replaces glycine, which is neutral and non-polar, with valine, which is neutral and non-polar, at codon 1788 of the RELN protein (p.Gly1788Val). This variant is not present in population databases (gnomAD no frequency). This variant has not been reported in the literature in individuals affected with RELN-related conditions. Invitae Evidence Modeling of protein sequence and biophysical properties (such as structural, functional, and spatial information, amino acid conservation, physicochemical variation, residue mobility, and thermodynamic stability) has been performed for this missense variant. However, the output from this modeling did not meet the statistical confidence thresholds required to predict the impact of this variant on RELN protein function. In summary, the available evidence is currently insufficient to determine the role of this variant in disease. Therefore, it has been classified as a Variant of Uncertain Significance.